The following is an entry in ClinVar:

NM_005026.5(PIK3CD):c.2340C>T (p.Asn780=)

Gene: PIK3CD (phosphatidylinositol-4,5-bisphosphate 3-kinase catalytic subunit delta; plus strand). Cytogenetic location: 1p36.22.
Variant type: single nucleotide variant.
Coding change: c.2340C>T on transcript NM_005026.5 (MANE Select); coding-DNA position 2340, C replaced by T.
Protein change: p.Asn780=; no amino-acid change (asparagine 780 retained).
Molecular consequence: synonymous variant.
Genome position (GRCh38, 1-based): chr1:9,722,349, C>T. VCF-style: chr1-9722349-C-T. GRCh37 (hg19) VCF-style: chr1-9782407-C-T.
Other names: c.2337C>T, p.Asn779= (NM_001350234.2); c.2253C>T, p.Asn751= (NM_001350235.1).
Identifiers: ClinVar variation 1100028 (VCV001100028.35), dbSNP rs112529690, ClinGen allele CA577493.

ClinVar aggregate classification (germline): Benign/Likely benign. Review status: criteria provided, multiple submitters, no conflicts (2 of 4 stars). 4 submissions from 4 submitters: Benign (1); Likely benign (3). Last evaluated 2026-01-08.

Conditions:
Immunodeficiency 14 (IMD14A). Also called: IMMUNODEFICIENCY 14A WITH LYMPHOPROLIFERATION, AUTOSOMAL DOMINANT; ACTIVATED PI3K-DELTA SYNDROME 1; p110-DELTA-ACTIVATING MUTATION CAUSING SENESCENT T CELLS, LYMPHADENOPATHY, AND IMMUNODEFICIENCY; Activated PI3K Delta Syndrome Type 1 (APDS1). Identifiers: Orphanet 397596, Orphanet 693661, MedGen C5907821, MONDO:0014222, OMIM 615513.

Allele frequency attached by ClinVar (database versions not stated): ExAC 0.00005; gnomAD exomes 0.00006 and 0.00007; TOPMed 0.00006; gnomAD 0.00007 and 0.00009; ESP Exome Variant Server 0.00015; 1000 Genomes Project 30x 0.00016; 1000 Genomes Project 0.00020.
gnomAD v4.1: 112 of 1,611,018 alleles (0.007%); highest among the groups gnomAD compares: African/African-American, 0.012%; no homozygotes.

Submissions (4):

Labcorp Genetics (formerly Invitae), Labcorp
Classification: Likely benign for Activated PI3K-delta syndrome. Last evaluated: 2026-01-08. Review status: criteria provided, single submitter. Criteria: Invitae Variant Classification Sherloc (09022015). Collection method: clinical testing. Allele origin: germline.

Laboratory of Genetics, Children's Clinical University Hospital Latvia
Classification: Benign. Last evaluated: 2025-02-16. Review status: criteria provided, single submitter. Criteria: ACMG Guidelines, 2015. Collection method: clinical testing. Allele origin: germline. Affected: yes.

Blueprint Genetics
Classification: Likely benign. Last evaluated: 2024-11-19. Review status: criteria provided, single submitter. Criteria: ACMG Guidelines, 2015. Collection method: clinical testing. Allele origin: germline.

CeGaT Center for Human Genetics Tuebingen
Classification: Likely benign. Last evaluated: 2022-11-01. Review status: criteria provided, single submitter. Criteria: CeGaT Center For Human Genetics Tuebingen Variant Classification Criteria Version 2. Collection method: clinical testing. Allele origin: germline. Affected: yes. Observed: 1 variant allele.
Comment: PIK3CD: BP4, BP7